The following is an entry in ClinVar:

NM_032905.5(RBM17):c.973G>T (p.Glu325Ter)

Gene: RBM17 (RNA binding motif protein 17; plus strand). Cytogenetic location: 10p15.1.
Variant type: single nucleotide variant.
Coding change: c.973G>T on transcript NM_032905.5 (MANE Select); coding-DNA position 973, G replaced by T.
Protein change: p.Glu325Ter; replaces glutamic acid 325 with a stop codon.
Molecular consequence: nonsense.
Genome position (GRCh38, 1-based): chr10:6,114,091, G>T. VCF-style: chr10-6114091-G-T. GRCh37 (hg19) VCF-style: chr10-6156054-G-T.
Other names: c.973G>T, p.Glu325Ter (NM_001145547.2); short protein forms E325*.
Identifiers: ClinVar variation 2572330 (VCV002572330.1), dbSNP rs2490853609, ClinGen allele CA375936256.
Genomic context (GRCh38, chr10:6,114,091, plus strand): 5'-TTATTTTTGTGTTTAAAGAACATGGTTGGTGCGGGAGAGGTGGATGAAGACTTGGAAGTT[G>T]AAACCAAGGAAGAATGTGAAAAATATGGCAAAGTTGGAAAATGTGTGATATTTGAAGTAA-3'

ClinVar aggregate classification (germline): Uncertain significance (1 of 4 stars; one submission).

Submission:

Greenwood Genetic Center Diagnostic Laboratories, Greenwood Genetic Center
Classification: Uncertain significance. Last evaluated: 2023-04-14. Review status: criteria provided, single submitter. Criteria: ACMG Guidelines, 2015. Collection method: clinical testing. Allele origin: germline. Affected: yes.
Comment: Gene of Uncertain Significance